The following is an entry in ClinVar:

ClinVar aggregate classification (germline): Uncertain significance (1 of 4 stars; one submission).

Submission:

Mayo Clinic Laboratories, Mayo Clinic
Classification: Uncertain significance. Last evaluated: 2024-05-29. Review status: criteria provided, single submitter. Criteria: ACMG Guidelines, 2015. Collection method: clinical testing. Allele origin: germline. Observed: 1 variant allele.
Comment: BP4, PM2

NM_001080508.3(TBX18):c.310T>C (p.Phe104Leu)

Gene: TBX18 (T-box transcription factor 18; minus strand). Cytogenetic location: 6q14.3.
Variant type: single nucleotide variant.
Coding change: c.310T>C on transcript NM_001080508.3 (MANE Select); coding-DNA position 310, T replaced by C.
Protein change: p.Phe104Leu; replaces phenylalanine 104 with leucine.
Molecular consequence: missense variant.
Genome position (GRCh38, 1-based): chr6:84,762,731, A>G on the plus strand (T>C on the coding strand, the complement: TBX18 is on the minus strand). VCF-style: chr6-84762731-A-G. GRCh37 (hg19) VCF-style: chr6-85472449-A-G.
Other names: p.Phe104Leu; short protein forms F104L.
Identifiers: ClinVar variation 3379703 (VCV003379703.1).